The following is an entry in ClinVar:

NM_001943.5(DSG2):c.2548G>C (p.Glu850Gln)

Genes: DSG2 (desmoglein 2; plus strand), DSG2-AS1 (DSG2 antisense RNA 1; minus strand). Cytogenetic location: 18q12.1.
Variant type: single nucleotide variant.
Coding change: c.2548G>C on transcript NM_001943.5 (MANE Select); coding-DNA position 2548, G replaced by C.
Protein change: p.Glu850Gln; replaces glutamic acid 850 with glutamine.
Molecular consequence: missense variant.
Genome position (GRCh38, 1-based): chr18:31,545,934, G>C. VCF-style: chr18-31545934-G-C. GRCh37 (hg19) VCF-style: chr18-29125897-G-C.
Other names: p.E850Q:GAA>CAA; c.2548G>C (LRG_397t1); short protein forms E850Q.
Identifiers: ClinVar variation 199833 (VCV000199833.2), dbSNP rs794728099, ClinGen allele CA021811.

ClinVar aggregate classification (germline): Uncertain significance (1 of 4 stars; one submission).

Submission:

GeneDx
Classification: Uncertain significance. Last evaluated: 2012-01-26. Review status: criteria provided, single submitter. Criteria: GeneDx Variant Classification (06012015). Collection method: clinical testing. Allele origin: germline. Affected: yes.
Comment: This variant is denoted Glu850Gln (aka E850Q) at the protein level and c.2548 G>C at the cDNA level. A heterozygous G>C nucleotide substitution was identified in exon 15 of the DSG2 gene, resulting in the replacement of an Glutamic acid codon (GAA) with a Glutamine codon (CAA) at amino acid position 850 in desmoglein-2. The Glu850Gln variant in the DSG2 gene has not been reported previously as a disease-causing mutation or as a benign polymorphism, to our knowledge. Glu850Gln results in a semi-conservative amino acid substitution of a negatively charged Glutamic acid with a neutral, polar Glutamine at a position that is not highly conserved. No mutations in nearby codons have been reported in association with ARVC, indicating this region of the protein may be tolerant of change. Additionally, in silico analysis predicts Glu850Gln is benign to the protein structure/function (Adzhubei IA et al., 2010; Schwarz JM et al., 2011). Nevertheless, Glu850Gln was not observed in approximately 4,500 samples from individuals of European and African American backgrounds, indicating it is not a common benign variant in these populations (Exome Variant Server). Autosomal dominant arrhythmogenic right ventricular cardiomyopathy (ARVC) is characterized by progressive fibrofatty replacement of the myocardium that predisposes to ventricular tachycardia and sudden death in young individuals and athletes. It primarily affects the right ventricle; with time, it may also involve the left ventricle. The presentation of disease is highly variable even within families, and affected individuals may not always meet established clinical criteria. ARVC may be caused by mutations in at least seven genes, which together account for ARVC in 40-50% of patients (GeneReviews). At least 12% of patients with autosomal dominant arrhythmogenic right ventricular cardiomyopathy were reported to have a mutation in the DSG2 gene (GeneReviews; OMIM). The variant is found in ARVC panel(s).